The following is an entry in ClinVar:

ClinVar aggregate classification (germline): Uncertain significance (1 of 4 stars; one submission).

Conditions:
Giant axonal neuropathy 1 (GAN1). Also called: GIANT AXONAL NEUROPATHY 1, AUTOSOMAL RECESSIVE; GAN-Related Neurodegeneration. Identifiers: Orphanet 643, MedGen C1850386, MONDO:0009749, OMIM 256850.

gnomAD v4.1: 2 of 1,569,096 alleles (0.00013%); highest among the groups gnomAD compares: East Asian, 0.0025%; no homozygotes.

Submission:

Labcorp Genetics (formerly Invitae), Labcorp
Classification: Uncertain significance for Giant axonal neuropathy 1. Last evaluated: 2021-08-27. Review status: criteria provided, single submitter. Criteria: Invitae Variant Classification Sherloc (09022015). Collection method: clinical testing. Allele origin: germline.
Comment: This sequence change replaces serine with threonine at codon 21 of the GAN protein (p.Ser21Thr). The serine residue is weakly conserved and there is a small physicochemical difference between serine and threonine. This variant is not present in population databases (ExAC no frequency). This variant has not been reported in the literature in individuals affected with GAN-related conditions. Algorithms developed to predict the effect of missense changes on protein structure and function (SIFT, PolyPhen-2, Align-GVGD) all suggest that this variant is likely to be tolerated. In summary, the available evidence is currently insufficient to determine the role of this variant in disease. Therefore, it has been classified as a Variant of Uncertain Significance.

NM_022041.4(GAN):c.62G>C (p.Ser21Thr)

Genes: GAN (gigaxonin; plus strand), LOC130059498 (ATAC-STARR-seq lymphoblastoid silent region 7753; plus strand). Cytogenetic location: 16q23.2.
Variant type: single nucleotide variant.
Coding change: c.62G>C on transcript NM_022041.4 (MANE Select); coding-DNA position 62, G replaced by C.
Protein change: p.Ser21Thr; replaces serine 21 with threonine.
Molecular consequence: missense variant. On other transcripts: 5 prime UTR variant (1).
Genome position (GRCh38, 1-based): chr16:81,315,175, G>C. VCF-style: chr16-81315175-G-C. GRCh37 (hg19) VCF-style: chr16-81348780-G-C.
Other names: c.-463G>C (NM_001377486.1); short protein forms S21T.
Identifiers: ClinVar variation 1055925 (VCV001055925.6), dbSNP rs1242438215, ClinGen allele CA396854539.